The following is an entry in ClinVar:

NM_005544.3(IRS1):c.1534G>C (p.Ala512Pro)

Gene: IRS1 (insulin receptor substrate 1; minus strand). Cytogenetic location: 2q36.3.
Variant type: single nucleotide variant.
Coding change: c.1534G>C on transcript NM_005544.3 (MANE Select); coding-DNA position 1534, G replaced by C.
Protein change: p.Ala512Pro; replaces alanine 512 with proline.
Molecular consequence: missense variant.
Genome position (GRCh38, 1-based): chr2:226,797,205, C>G on the plus strand (G>C on the coding strand, the complement: IRS1 is on the minus strand). VCF-style: chr2-226797205-C-G. GRCh37 (hg19) VCF-style: chr2-227661921-C-G.
Other names: short protein forms A512P.
Identifiers: ClinVar variation 522186 (VCV000522186.8), dbSNP rs1801276, ClinGen allele CA2143306.
Genomic context (GRCh38, chr2:226,797,205, plus strand): 5'-GGGATGTGCCTGCCGAGTGAGTTCTCTTTCGGAACCGATTATCCAGATCTGCAGCACTGG[C>G]TGCTTCATCCCCAGCCAAGGCTGGACTCGTGCCCAAGCCTGTTCCTGGGGTGCAGCGGTG-3'
Protein context (NP_005535.1, residues 502-522): TSPALAGDEA[Ala512Pro]SAADLDNRFR

ClinVar aggregate classification (germline): Benign. Review status: criteria provided, multiple submitters, no conflicts (2 of 4 stars). 5 submissions from 5 submitters: Benign (2). 3 of the submissions do not count toward it. Last evaluated 2014-10-09.

Conditions:
Type 2 diabetes mellitus. Also called: Type II diabetes mellitus. Identifiers: MedGen C0011860, MeSH D003924, MONDO:0005148, OMIM 125853, HP:0005978.
IRS1-related disorder. Also called: IRS1-related condition.

Allele frequency attached by ClinVar (database versions not stated): 1000 Genomes Project 0.00639; 1000 Genomes Project 30x 0.00718; TOPMed 0.01116; gnomAD 0.01336 and 0.01357; gnomAD exomes 0.01398 and 0.01966; ExAC 0.01433; ESP Exome Variant Server 0.01507.
gnomAD v4.1: 30,552 of 1,613,794 alleles (1.9%); highest among the groups gnomAD compares: Non-Finnish European, 2.3%; 354 homozygotes.

Submissions (5):

Genome Diagnostics Laboratory, University Medical Center Utrecht
Classification: Benign for Type 2 diabetes mellitus. Last evaluated: 2014-10-09. Review status: criteria provided, single submitter. Criteria: ACGS Guidelines, 2013. Collection method: clinical testing. Allele origin: germline. Affected: yes. Study: VKGL Data-share Consensus.

Breakthrough Genomics
Classification: Benign. Review status: criteria provided, single submitter. Criteria: ACMG Guidelines, 2015. Collection method: not provided. Allele origin: germline. Inheritance: Autosomal dominant inheritance. Affected: yes.

PreventionGenetics, part of Exact Sciences
Classification: Benign for IRS1-related condition. Last evaluated: 2019-05-17. Review status: no assertion criteria provided. Collection method: clinical testing. Allele origin: germline. Not counted in ClinVar's aggregate classification.
Comment: This variant is classified as benign based on ACMG/AMP sequence variant interpretation guidelines (Richards et al. 2015 PMID: 25741868, with internal and published modifications).

Genome Diagnostics Laboratory, Amsterdam University Medical Center
Classification: Benign for Type 2 diabetes mellitus. Last evaluated: 2016-12-16. Review status: no assertion criteria provided. Criteria: ACGS Guidelines, 2013. Collection method: clinical testing. Allele origin: germline. Affected: yes. Study: VKGL Data-share Consensus. Not counted in ClinVar's aggregate classification.

Clinical Genetics, Academic Medical Center
Classification: Benign. Review status: no assertion criteria provided. Collection method: clinical testing. Allele origin: germline. Affected: yes. Study: VKGL Data-share Consensus. Not counted in ClinVar's aggregate classification.